The following is an entry in ClinVar:

NM_033026.6(PCLO):c.3908C>T (p.Pro1303Leu)

Gene: PCLO (piccolo presynaptic cytomatrix protein; minus strand). Cytogenetic location: 7q21.11.
Variant type: single nucleotide variant.
Coding change: c.3908C>T on transcript NM_033026.6 (MANE Select); coding-DNA position 3908, C replaced by T.
Protein change: p.Pro1303Leu; replaces proline 1303 with leucine.
Molecular consequence: missense variant.
Genome position (GRCh38, 1-based): chr7:82,965,880, G>A on the plus strand (C>T on the coding strand, the complement: PCLO is on the minus strand). VCF-style: chr7-82965880-G-A. GRCh37 (hg19) VCF-style: chr7-82595196-G-A.
Other names: c.3908C>T, p.Pro1303Leu (NM_014510.3); c.3908C>T (NM_033026.5); short protein forms P1303L.
Identifiers: ClinVar variation 1940062 (VCV001940062.4), dbSNP rs2115657314, ClinGen allele CA367931195.
Genomic context (GRCh38, chr7:82,965,880, plus strand): 5'-GGCTGTGGCTGTTCTTTTATTGTTTTGGTTGTCTTATCATCTTCTTTAGGTAAACTCTGA[G>A]GTGTGCCAGATGGTAAACCTTCCATCTTGGTCTGTGGTTGTTTCCCTTCTTGCACTGTCT-3'
Protein context (NP_149015.2, residues 1293-1313): TKMEGLPSGT[Pro1303Leu]QSLPKEDDKT

ClinVar aggregate classification (germline): Conflicting classifications of pathogenicity. Review status: criteria provided, conflicting classifications (1 of 4 stars). 2 submissions from 2 submitters: Uncertain significance (1); Likely benign (1). Last evaluated 2025-09-03.

Conditions:
Inborn genetic diseases. Identifiers: MedGen C0950123, MeSH D030342.

Allele frequency attached by ClinVar (database versions not stated): gnomAD exomes below 0.00001.
gnomAD v4.1: 1 of 1,613,902 alleles (0.000062%); highest among the groups gnomAD compares: South Asian, 0.0011%; no homozygotes.

Submissions (2):

Ambry Genetics
Classification: Likely benign for Inborn genetic diseases. Last evaluated: 2025-09-03. Review status: criteria provided, single submitter. Criteria: Ambry Variant Classification Scheme 2023. Collection method: clinical testing. Allele origin: germline.

Labcorp Genetics (formerly Invitae), Labcorp
Classification: Uncertain significance. Last evaluated: 2022-05-28. Review status: criteria provided, single submitter. Criteria: Invitae Variant Classification Sherloc (09022015). Collection method: clinical testing. Allele origin: germline.
Comment: In summary, the available evidence is currently insufficient to determine the role of this variant in disease. Therefore, it has been classified as a Variant of Uncertain Significance. Algorithms developed to predict the effect of missense changes on protein structure and function output the following: SIFT: "Deleterious"; PolyPhen-2: "Not Available"; Align-GVGD: "Class C0". The leucine amino acid residue is found in multiple mammalian species, which suggests that this missense change does not adversely affect protein function. This variant has not been reported in the literature in individuals affected with PCLO-related conditions. This variant is not present in population databases (gnomAD no frequency). This sequence change replaces proline, which is neutral and non-polar, with leucine, which is neutral and non-polar, at codon 1303 of the PCLO protein (p.Pro1303Leu).